The following is an entry in ClinVar:

NM_001042492.3(NF1):c.1656_1657insA (p.His553fs)

Gene: NF1 (neurofibromin 1; plus strand). Cytogenetic location: 17q11.2.
Variant type: Insertion.
Coding change: c.1656_1657insA on transcript NM_001042492.3 (MANE Select); coding-DNA positions 1656 to 1657, A inserted.
Protein change: p.His553fs; shifts the reading frame from histidine 553.
Molecular consequence: frameshift variant.
Genome position: GRCh38 VCF-style: chr17-31221864-T-TA. GRCh37 (hg19) VCF-style: chr17-29548882-T-TA.
Other names: c.1656_1657insA, p.His553Thrfs (NM_000267.4); c.1656_1657insA, p.His553fs (NM_001128147.3); short protein forms H553fs.
Identifiers: ClinVar variation 1453311 (VCV001453311.6), dbSNP rs2144003884, ClinGen allele CA2573153225.

ClinVar aggregate classification (germline): Pathogenic (1 of 4 stars; one submission).

Conditions:
Neurofibromatosis, type 1 (NF1). Also called: Neurofibromatosis, type I; VON RECKLINGHAUSEN DISEASE; NEUROFIBROMATOSIS, TYPE I, SOMATIC; Peripheral type neurofibromatosis. Identifiers: Orphanet 636, MedGen C0027831, MONDO:0018975, OMIM 162200. Disease mechanism: loss of function.

Submission:

Labcorp Genetics (formerly Invitae), Labcorp
Classification: Pathogenic for Neurofibromatosis, type 1. Last evaluated: 2021-07-26. Review status: criteria provided, single submitter. Criteria: Invitae Variant Classification Sherloc (09022015). Collection method: clinical testing. Allele origin: germline.
Comment: This variant has not been reported in the literature in individuals affected with NF1-related conditions. This variant is not present in population databases (ExAC no frequency). This sequence change creates a premature translational stop signal (p.His553Thrfs*5) in the NF1 gene. It is expected to result in an absent or disrupted protein product. Loss-of-function variants in NF1 are known to be pathogenic (PMID: 10712197, 23913538). For these reasons, this variant has been classified as Pathogenic.

Literature cited by the submitters: PubMed 10712197; PubMed 23913538.